The following is an entry in ClinVar:

ClinVar aggregate classification (germline): Pathogenic/Likely pathogenic. Review status: criteria provided, multiple submitters, no conflicts (2 of 4 stars). 3 submissions from 3 submitters: Pathogenic (2); Likely pathogenic (1). Last evaluated 2024-05-08.

Conditions:
Adult polyglucosan body disease (APBN). Also called: POLYGLUCOSAN BODY DISEASE, ADULT FORM; GBE1-Adult Polyglucosan Body Disease. Identifiers: Orphanet 206583, MedGen C1849722, MONDO:0009897, OMIM 263570.
Glycogen storage disease, type IV (GSD4). Also called: AMYLOPECTINOSIS; ANDERSEN DISEASE; BRANCHER DEFICIENCY; CIRRHOSIS, FAMILIAL, WITH DEPOSITION OF ABNORMAL GLYCOGEN; GBE1 DEFICIENCY; GLYCOGEN BRANCHING ENZYME DEFICIENCY. Identifiers: Orphanet 367, MedGen C0017923, MONDO:0009292, OMIM 232500.

Allele frequency attached by ClinVar (database versions not stated): gnomAD exomes below 0.00001.
gnomAD v4.1: 4 of 1,551,018 alleles (0.00026%); highest among the groups gnomAD compares: South Asian, 0.0013%; no homozygotes.

Submissions (3):

Myriad Genetics, Inc.
Classification: Pathogenic for Glycogen storage disease, type IV. Last evaluated: 2024-05-08. Review status: criteria provided, single submitter. Criteria: Myriad Autosomal Dominant, Autosomal Recessive and X-Linked Classification Criteria (2023). Collection method: clinical testing. Allele origin: unknown.
Comment: NM_000158.3(GBE1):c.415G>T(G139*) is expected to be pathogenic in the context of glycogen storage disease, GBE1-related. This variant is predicted to lead to an abnormal or absent protein product due to the creation of a premature termination codon in GBE1, a gene where loss-of-function variants are known to be pathogenic. Please note: this variant was assessed in the context of healthy population screening.

Fulgent Genetics
Classification: Likely pathogenic for Glycogen storage disease, type IV; Adult polyglucosan body disease. Last evaluated: 2024-04-26. Review status: criteria provided, single submitter. Criteria: ACMG Guidelines, 2015. Collection method: clinical testing. Allele origin: germline.

Genetic Services Laboratory, University of Chicago
Classification: Pathogenic for Glycogen storage disease, type IV. Last evaluated: 2016-01-05. Review status: criteria provided, single submitter. Criteria: ACMG Guidelines, 2015. Collection method: clinical testing. Allele origin: germline. Affected: yes.

NM_000158.4(GBE1):c.415G>T (p.Gly139Ter)

Gene: GBE1 (1,4-alpha-glucan branching enzyme 1; minus strand). Cytogenetic location: 3p12.2.
Variant type: single nucleotide variant.
Coding change: c.415G>T on transcript NM_000158.4 (MANE Select); coding-DNA position 415, G replaced by T.
Protein change: p.Gly139Ter; replaces glycine 139 with a stop codon.
Molecular consequence: nonsense.
Genome position (GRCh38, 1-based): chr3:81,670,852, C>A on the plus strand (G>T on the coding strand, the complement: GBE1 is on the minus strand). VCF-style: chr3-81670852-C-A. GRCh37 (hg19) VCF-style: chr3-81720003-C-A.
Other names: short protein forms G139*.
Identifiers: ClinVar variation 435291 (VCV000435291.9), dbSNP rs1553690406, ClinGen allele CA353688843.